The following is an entry in ClinVar:

NM_016333.4(SRRM2):c.2374A>G (p.Thr792Ala)

Gene: SRRM2 (serine/arginine repetitive matrix 2; plus strand). Cytogenetic location: 16p13.3.
Variant type: single nucleotide variant.
Coding change: c.2374A>G on transcript NM_016333.4 (MANE Select); coding-DNA position 2374, A replaced by G.
Protein change: p.Thr792Ala; replaces threonine 792 with alanine.
Molecular consequence: missense variant.
Genome position (GRCh38, 1-based): chr16:2,762,902, A>G. VCF-style: chr16-2762902-A-G. GRCh37 (hg19) VCF-style: chr16-2812903-A-G.
Other names: short protein forms T792A.
Identifiers: ClinVar variation 5018045 (VCV005018045.1).

ClinVar aggregate classification (germline): Uncertain significance (1 of 4 stars; one submission).

gnomAD v4.1: 2 of 1,614,008 alleles (0.00012%); highest among the groups gnomAD compares: African/African-American, 0.0013%; no homozygotes.

Submission:

GeneDx
Classification: Uncertain significance. Last evaluated: 2026-03-31. Review status: criteria provided, single submitter. Criteria: GeneDx Variant Classification Process June 2021. Collection method: clinical testing. Allele origin: germline.
Comment: Not observed at significant frequency in large population cohorts (gnomAD); In silico analysis suggests that this missense variant does not alter protein structure/function; Has not been previously published as pathogenic or benign to our knowledge